The following is an entry in ClinVar:

ClinVar aggregate classification (germline): Uncertain significance. Review status: criteria provided, multiple submitters, no conflicts (2 of 4 stars). 2 submissions from 2 submitters: Uncertain significance (2). Last evaluated 2025-10-30.

Allele frequency attached by ClinVar (database versions not stated): TOPMed below 0.00001; gnomAD exomes 0.00001.
gnomAD v4.1: 16 of 1,596,182 alleles (0.001%); highest among the groups gnomAD compares: Non-Finnish European, 0.0012%; no homozygotes.

Submissions (2):

Ambry Genetics
Classification: Uncertain significance. Last evaluated: 2025-10-30. Review status: criteria provided, single submitter. Criteria: Ambry Variant Classification Scheme 2023. Collection method: clinical testing. Allele origin: germline.

Labcorp Genetics (formerly Invitae), Labcorp
Classification: Uncertain significance. Last evaluated: 2019-10-28. Review status: criteria provided, single submitter. Criteria: Invitae Variant Classification Sherloc (09022015). Collection method: clinical testing. Allele origin: germline.
Comment: Algorithms developed to predict the effect of sequence changes on RNA splicing suggest that this variant may create or strengthen a splice site, but this prediction has not been confirmed by published transcriptional studies. In summary, the available evidence is currently insufficient to determine the role of this variant in disease. Therefore, it has been classified as a Variant of Uncertain Significance. Algorithms developed to predict the effect of missense changes on protein structure and function are either unavailable or do not agree on the potential impact of this missense change (SIFT: "Tolerated"; PolyPhen-2: "Possibly Damaging"; Align-GVGD: "Class C0"). This variant has not been reported in the literature in individuals with ABRAXAS1-related conditions. This variant is not present in population databases (ExAC no frequency). This sequence change replaces glycine with serine at codon 16 of the ABRAXAS1 protein (p.Gly16Ser). The glycine residue is moderately conserved and there is a small physicochemical difference between glycine and serine.

NM_139076.3(ABRAXAS1):c.46G>A (p.Gly16Ser)

Genes: ABRAXAS1 (abraxas 1, BRCA1 A complex subunit; minus strand), LOC129992784 (ATAC-STARR-seq lymphoblastoid silent region 15542; plus strand). Cytogenetic location: 4q21.23.
Variant type: single nucleotide variant.
Coding change: c.46G>A on transcript NM_139076.3 (MANE Select); coding-DNA position 46, G replaced by A.
Protein change: p.Gly16Ser; replaces glycine 16 with serine.
Molecular consequence: missense variant. On other transcripts: 5 prime UTR variant (1).
Genome position (GRCh38, 1-based): chr4:83,485,027, C>T on the plus strand (G>A on the coding strand, the complement: ABRAXAS1 is on the minus strand). VCF-style: chr4-83485027-C-T. GRCh37 (hg19) VCF-style: chr4-84406180-C-T.
Other names: c.-215G>A (NM_001345962.2); short protein forms G16S.
Identifiers: ClinVar variation 967504 (VCV000967504.14), dbSNP rs1723134106, ClinGen allele CA357264001.